The following is an entry in ClinVar:

NM_024422.6(DSC2):c.734A>C (p.Glu245Ala)

Gene: DSC2 (desmocollin 2; minus strand). Cytogenetic location: 18q12.1.
Variant type: single nucleotide variant.
Coding change: c.734A>C on transcript NM_024422.6 (MANE Select); coding-DNA position 734, A replaced by C.
Protein change: p.Glu245Ala; replaces glutamic acid 245 with alanine.
Molecular consequence: missense variant.
Genome position (GRCh38, 1-based): chr18:31,087,710, T>G on the plus strand (A>C on the coding strand, the complement: DSC2 is on the minus strand). VCF-style: chr18-31087710-T-G. GRCh37 (hg19) VCF-style: chr18-28667673-T-G.
Other names: c.734A>C, p.Glu245Ala (NM_004949.5); short protein forms E245A.
Identifiers: ClinVar variation 191624 (VCV000191624.18), dbSNP rs373201722, ClinGen allele CA022907.

ClinVar aggregate classification (germline): Conflicting classifications of pathogenicity. Review status: criteria provided, conflicting classifications (1 of 4 stars). 6 submissions from 6 submitters: Uncertain significance (4); Benign (1); Likely benign (1). Last evaluated 2025-06-12.

Conditions:
Cardiovascular phenotype. Identifiers: MedGen CN230736.
Familial isolated arrhythmogenic right ventricular dysplasia. Identifiers: Orphanet 217656, MedGen C4274968, MONDO:0016342.
Arrhythmogenic right ventricular dysplasia 11. Also called: Arrhythmogenic right ventricular dysplasia 11 with mild palmoplantar keratoderma and woolly hair; Arrhythmogenic Right Ventricular Dysplasia/Cardiomyopathy11; ARRHYTHMOGENIC RIGHT VENTRICULAR DYSPLASIA, FAMILIAL, 11. Identifiers: MedGen C1864850, MONDO:0012506, OMIM 610476.
Cardiomyopathy (CMYO). Also called: Cardiomyopathies. Identifiers: Orphanet 167848, MedGen C0878544, MONDO:0004994, HP:0001638. Inheritance: Various modes of inheritance.

Allele frequency attached by ClinVar (database versions not stated): ESP Exome Variant Server 0.00008; gnomAD exomes 0.00001 and 0.00002; ExAC 0.00003; TOPMed 0.00008; gnomAD 0.00011 and 0.00013.
gnomAD v4.1: 33 of 1,613,540 alleles (0.002%); highest among the groups gnomAD compares: African/African-American, 0.036%; no homozygotes.

Submissions (6):

Color Diagnostics, LLC DBA Color Health
Classification: Likely benign for Cardiomyopathy. Last evaluated: 2025-06-12. Review status: criteria provided, single submitter. Criteria: ACMG Guidelines, 2015. Collection method: clinical testing. Allele origin: germline.

Labcorp Genetics (formerly Invitae), Labcorp
Classification: Uncertain significance for Arrhythmogenic right ventricular dysplasia 11. Last evaluated: 2024-11-30. Review status: criteria provided, single submitter. Criteria: Invitae Variant Classification Sherloc (09022015). Collection method: clinical testing. Allele origin: germline.
Comment: This sequence change replaces glutamic acid, which is acidic and polar, with alanine, which is neutral and non-polar, at codon 245 of the DSC2 protein (p.Glu245Ala). This variant is present in population databases (rs373201722, gnomAD 0.03%). This variant has not been reported in the literature in individuals affected with DSC2-related conditions. ClinVar contains an entry for this variant (Variation ID: 191624). Invitae Evidence Modeling of protein sequence and biophysical properties (such as structural, functional, and spatial information, amino acid conservation, physicochemical variation, residue mobility, and thermodynamic stability) indicates that this missense variant is not expected to disrupt DSC2 protein function with a negative predictive value of 80%. In summary, the available evidence is currently insufficient to determine the role of this variant in disease. Therefore, it has been classified as a Variant of Uncertain Significance.

All of Us Research Program, National Institutes of Health
Classification: Uncertain significance for Familial isolated arrhythmogenic right ventricular dysplasia. Last evaluated: 2024-08-06. Review status: criteria provided, single submitter. Criteria: ACMG Guidelines, 2015. Collection method: clinical testing. Allele origin: germline. Inheritance: Autosomal dominant inheritance. Observed: 14 variant alleles, 14 heterozygotes.
Comment: This missense variant replaces glutamic acid with alanine at codon 245 of the DSC2 protein. Computational prediction suggests that this variant may not impact protein structure and function (internally defined REVEL score threshold <= 0.5, PMID: 27666373). To our knowledge, functional studies have not been reported for this variant. This variant has not been reported in individuals affected with cardiovascular disorders in the literature. This variant has been identified in 8/282338 chromosomes in the general population by the Genome Aggregation Database (gnomAD). The available evidence is insufficient to determine the role of this variant in disease conclusively. Therefore, this variant is classified as a Variant of Uncertain Significance.

This study involves interpretation of variants in research participants for the purpose of population health screening. Participant phenotype was not available at the time of variant classification. Additional details can be found in publication PMID: 35346344, PMCID: PMC8962531

Ambry Genetics
Classification: Benign for Cardiovascular phenotype. Last evaluated: 2021-09-21. Review status: criteria provided, single submitter. Criteria: Ambry Variant Classification Scheme 2023. Collection method: clinical testing. Allele origin: germline.

GeneDx
Classification: Uncertain significance. Last evaluated: 2020-01-15. Review status: criteria provided, single submitter. Criteria: GeneDx Variant Classification Process June 2021. Collection method: clinical testing. Allele origin: germline. Affected: yes.
Comment: Reported in ClinVar as a variant of uncertain significance (ClinVar Variant ID# 191624; Landrum et al., 2016); In silico analysis, which includes protein predictors and evolutionary conservation, supports a deleterious effect; This variant is associated with the following publications: (PMID: 21636032)

Biesecker Lab/Clinical Genomics Section, National Institutes of Health
Classification: Uncertain significance. Last evaluated: 2013-06-24. Review status: criteria provided, single submitter. Criteria: Ng et al. (Circ Cardiovasc Genet. 2013). Collection method: research. Allele origin: unknown. Observed: 1 variant allele. Study: ClinSeq.
Comment: The study set was not selected for affection status in relation to any cancer. Pathogenicity categories were based on literature curation. See Pubmed ID:23861362 for details.

Medical sequencing